The following is an entry in ClinVar:

ClinVar aggregate classification (germline): Uncertain significance (1 of 4 stars; one submission).

Conditions:
Neurodevelopmental disorder with hypotonia, stereotypic hand movements, and impaired language. Also called: Intellectual disability, autosomal dominant 20. Identifiers: Orphanet 228384, Orphanet 664410, MedGen C3150700, MONDO:0013266, OMIM 613443.

Submission:

Labcorp Genetics (formerly Invitae), Labcorp
Classification: Uncertain significance for Neurodevelopmental disorder with hypotonia, stereotypic hand movements, and impaired language. Last evaluated: 2022-04-23. Review status: criteria provided, single submitter. Criteria: Invitae Variant Classification Sherloc (09022015). Collection method: clinical testing. Allele origin: germline.
Comment: This variant has not been reported in the literature in individuals affected with MEF2C-related conditions. This variant is not present in population databases (gnomAD no frequency). This sequence change replaces aspartic acid, which is acidic and polar, with histidine, which is basic and polar, at codon 275 of the MEF2C protein (p.Asp275His). In summary, the available evidence is currently insufficient to determine the role of this variant in disease. Therefore, it has been classified as a Variant of Uncertain Significance. Algorithms developed to predict the effect of missense changes on protein structure and function (SIFT, PolyPhen-2, Align-GVGD) all suggest that this variant is likely to be tolerated.

NM_002397.5(MEF2C):c.823G>C (p.Asp275His)

Gene: MEF2C (myocyte enhancer factor 2C; minus strand). Cytogenetic location: 5q14.3.
Variant type: single nucleotide variant.
Coding change: c.823G>C on transcript NM_002397.5 (MANE Select); coding-DNA position 823, G replaced by C.
Protein change: p.Asp275His; replaces aspartic acid 275 with histidine.
Molecular consequence: missense variant. On other transcripts: intron variant (16).
Genome position (GRCh38, 1-based): chr5:88,730,222, C>G on the plus strand (G>C on the coding strand, the complement: MEF2C is on the minus strand). VCF-style: chr5-88730222-C-G. GRCh37 (hg19) VCF-style: chr5-88026039-C-G.
Other names: c.679G>C, p.Asp227His (NM_001193349.3, NM_001364332.2, NM_001364344.2 and 2 more transcripts); c.823G>C, p.Asp275His (NM_001193350.2, NM_001363581.2, NM_001364329.2 and 9 more transcripts); c.445G>C, p.Asp149His (NM_001364353.2, NM_001364356.2); c.811-875G>C (NM_001364333.2, NM_001308002.3, NM_001364349.2 and 6 more transcripts); c.805-875G>C (NM_001131005.2, NM_001364352.2, NM_001364343.2); c.865-875G>C (NM_001193347.1, NM_001364338.2); c.667-875G>C (NM_001193348.1); c.385-875G>C (NM_001364357.2); short protein forms D149H, D227H, D275H.
Identifiers: ClinVar variation 2129564 (VCV002129564.4), dbSNP rs2547014224, ClinGen allele CA360423104.